The following is an entry in ClinVar:

ClinVar aggregate classification (germline): Benign/Likely benign. Review status: criteria provided, multiple submitters, no conflicts (2 of 4 stars). 9 submissions from 9 submitters: Benign (8); Likely benign (1). Last evaluated 2026-02-04.

Conditions:
Congenital dyserythropoietic anemia, type II (CDAN2). Also called: DYSERYTHROPOIETIC ANEMIA, HEMPAS TYPE. Identifiers: Orphanet 98873, MedGen C1306589, MONDO:0009134, OMIM 224100.
Cowden syndrome 7 (CWS7). Identifiers: Orphanet 201, MedGen C4225179, MONDO:0014802, OMIM 616858.

Allele frequency attached by ClinVar (database versions not stated): gnomAD 0.10210 and 0.10334; gnomAD exomes 0.11410 and 0.13676; 1000 Genomes Project 30x 0.06215; ESP Exome Variant Server 0.10518; ExAC 0.11224; 1000 Genomes Project 0.06130; TOPMed 0.09068.
gnomAD v4.1: 214,338 of 1,611,526 alleles (13%); highest among the groups gnomAD compares: Non-Finnish European, 15%; 15,733 homozygotes.

Submissions (9):

Labcorp Genetics (formerly Invitae), Labcorp
Classification: Benign for Congenital dyserythropoietic anemia, type II; Cowden syndrome 7. Last evaluated: 2026-02-04. Review status: criteria provided, single submitter. Criteria: Invitae Variant Classification Sherloc (09022015). Collection method: clinical testing. Allele origin: germline.

ARUP Laboratories, Molecular Genetics and Genomics, ARUP Laboratories
Classification: Benign. Last evaluated: 2025-07-25. Review status: criteria provided, single submitter. Criteria: ARUP Molecular Germline Variant Investigation Process 2024. Collection method: clinical testing. Allele origin: germline.

Blueprint Genetics
Classification: Likely benign. Last evaluated: 2024-11-28. Review status: criteria provided, single submitter. Criteria: ACMG Guidelines, 2015. Collection method: clinical testing. Allele origin: germline.

Mayo Clinic Laboratories, Mayo Clinic
Classification: Benign. Last evaluated: 2022-09-06. Review status: criteria provided, single submitter. Criteria: ACMG Guidelines, 2015. Collection method: clinical testing. Allele origin: germline. Observed: 405 variant alleles.

GeneDx
Classification: Benign. Last evaluated: 2018-09-10. Review status: criteria provided, single submitter. Criteria: GeneDx Variant Classification Process June 2021. Collection method: clinical testing. Allele origin: germline. Affected: yes.

Illumina Laboratory Services, Illumina
Classification: Benign for Congenital dyserythropoietic anemia, type II. Last evaluated: 2018-01-12. Review status: criteria provided, single submitter. Criteria: ICSL Variant Classification Criteria 13 December 2019. Collection method: clinical testing. Allele origin: germline.
Comment: This variant was observed in the ICSL laboratory as part of a predisposition screen in an ostensibly healthy population. It had not been previously curated by ICSL or reported in the Human Gene Mutation Database (HGMD: prior to June 1st, 2018), and was therefore a candidate for classification through an automated scoring system. Utilizing variant allele frequency, disease prevalence and penetrance estimates, and inheritance mode, an automated score was calculated to assess if this variant is too frequent to cause the disease. Based on the score and internal cut-off values, a variant classified as benign is not then subjected to further curation. The score for this variant resulted in a classification of benign for this disease.

Eurofins Ntd Llc (ga)
Classification: Benign. Last evaluated: 2013-04-15. Review status: criteria provided, single submitter. Criteria: EGL Classification Definitions 2015. Collection method: clinical testing. Allele origin: germline. Observed: 6 variant alleles, 5 heterozygotes, 1 homozygote.

Breakthrough Genomics
Classification: Benign. Review status: criteria provided, single submitter. Criteria: ACMG Guidelines, 2015. Collection method: not provided. Allele origin: germline. Inheritance: Autosomal recessive inheritance. Affected: yes.

PreventionGenetics, part of Exact Sciences
Classification: Benign. Review status: criteria provided, single submitter. Criteria: ACMG Guidelines, 2015. Collection method: clinical testing. Allele origin: germline.

NM_006363.6(SEC23B):c.1298C>T (p.Pro433Leu)

Gene: SEC23B (SEC23 homolog B, COPII component; plus strand). Cytogenetic location: 20p11.23.
Variant type: single nucleotide variant.
Coding change: c.1298C>T on transcript NM_006363.6 (MANE Select); coding-DNA position 1298, C replaced by T.
Protein change: p.Pro433Leu; replaces proline 433 with leucine.
Molecular consequence: missense variant.
Genome position (GRCh38, 1-based): chr20:18,532,728, C>T. VCF-style: chr20-18532728-C-T. GRCh37 (hg19) VCF-style: chr20-18513372-C-T.
Other names: c.1298C>T, p.Pro433Leu (NM_001172745.3, NM_032985.6, NM_032986.5); c.1244C>T, p.Pro415Leu (NM_001172746.3); short protein forms P433L, P415L.
Identifiers: ClinVar variation 95380 (VCV000095380.35), dbSNP rs17807673, ClinGen allele CA148496.